The following is an entry in ClinVar:

ClinVar aggregate classification (germline): Uncertain significance (1 of 4 stars; one submission).

Conditions:
Ataxia-telangiectasia syndrome (AT). Also called: Ataxia-telangiectasia, complementation group D; AT, COMPLEMENTATION GROUP C; ATAXIA-TELANGIECTASIA, COMPLEMENTATION GROUP A; ATAXIA-TELANGIECTASIA, FRESNO VARIANT; Ataxia-telangiectasia; Ataxia-telangiectasia, complementation group E. Identifiers: Orphanet 100, MedGen C0004135, MONDO:0008840, OMIM 208900.

Submission:

Labcorp Genetics (formerly Invitae), Labcorp
Classification: Uncertain significance for Ataxia-telangiectasia syndrome. Last evaluated: 2024-04-25. Review status: criteria provided, single submitter. Criteria: Invitae Variant Classification Sherloc (09022015). Collection method: clinical testing. Allele origin: germline.
Comment: This variant, c.5877_5888del, results in the deletion of 4 amino acid(s) of the ATM protein (p.Glu1959_Ala1962del), but otherwise preserves the integrity of the reading frame. This variant is not present in population databases (gnomAD no frequency). This variant has not been reported in the literature in individuals affected with ATM-related conditions. Experimental studies and prediction algorithms are not available or were not evaluated, and the functional significance of this variant is currently unknown. In summary, the available evidence is currently insufficient to determine the role of this variant in disease. Therefore, it has been classified as a Variant of Uncertain Significance.

NM_000051.4(ATM):c.5877_5888del (p.Glu1959_Ala1962del)

Genes: ATM (ATM serine/threonine kinase; plus strand), C11orf65 (chromosome 11 open reading frame 65; minus strand). Cytogenetic location: 11q22.3.
Variant type: Deletion.
Coding change: c.5877_5888del on transcript NM_000051.4 (MANE Select); coding-DNA positions 5877 to 5888, 12 bases deleted (AATCTATGCAGA).
Protein change: p.Glu1959_Ala1962del.
Molecular consequence: inframe deletion. On other transcripts: intron variant (2).
Genome position (GRCh38, 1-based): chr11:108,310,274-108,310,285, AATCTATGCAGA deleted; deleting any 12 consecutive bases within chr11:108,310,264-108,310,285 gives the same sequence; the c. name uses the placement nearest the transcript's 3' end. VCF-style (leftmost placement, unchanged base first): chr11-108310263-CTCTATGCAGAAA-C. GRCh37 (hg19) VCF-style: chr11-108180990-CTCTATGCAGAAA-C.
Other names: c.5877_5888del, p.Glu1959_Ala1962del (NM_001351834.2); c.641-1204_641-1193del (NM_001330368.2); c.*39-1204_*39-1193del (NM_001351110.2).
Identifiers: ClinVar variation 3651015 (VCV003651015.2).